The following is an entry in ClinVar:

NM_024537.4(CARS2):c.1570G>C (p.Glu524Gln)

Gene: CARS2 (cysteinyl-tRNA synthetase 2, mitochondrial; minus strand). Cytogenetic location: 13q34.
Variant type: single nucleotide variant.
Coding change: c.1570G>C on transcript NM_024537.4 (MANE Select); coding-DNA position 1570, G replaced by C.
Protein change: p.Glu524Gln; replaces glutamic acid 524 with glutamine.
Molecular consequence: missense variant. On other transcripts: non-coding transcript variant (2).
Genome position (GRCh38, 1-based): chr13:110,642,368, C>G on the plus strand (G>C on the coding strand, the complement: CARS2 is on the minus strand). VCF-style: chr13-110642368-C-G. GRCh37 (hg19) VCF-style: chr13-111294715-C-G.
Other names: c.784G>C, p.Glu262Gln (NM_001352252.2); short protein forms E262Q, E524Q.
Identifiers: ClinVar variation 1010611 (VCV001010611.8), dbSNP rs1214379430, ClinGen allele CA388740178.
Genomic context (GRCh38, chr13:110,642,368, plus strand): 5'-CACTCACCTTGATGTTGATGCCGTGGGCAGTCAGGCCCCGGCGCAGGGTGTCGCATGCTT[C>G]CAGCAGGGGCTGCCTTTCTAGGAGCTGCTGCCGCCGGGCGTCCCCCGTGGCCTCGGGCAT-3'
Protein context (NP_078813.1, residues 514-534): QQLLERQPLL[Glu524Gln]ACDTLRRGLT

ClinVar aggregate classification (germline): Uncertain significance (1 of 4 stars; one submission).

Conditions:
Combined oxidative phosphorylation defect type 27. Also called: Combined oxidative phosphorylation deficiency 27. Identifiers: Orphanet 477774, MedGen C5567608, MONDO:0014728, OMIM 616672.

gnomAD v4.1: 2 of 1,557,904 alleles (0.00013%); highest among the groups gnomAD compares: Admixed American, 0.0038%; no homozygotes.

Submission:

Labcorp Genetics (formerly Invitae), Labcorp
Classification: Uncertain significance for Combined oxidative phosphorylation defect type 27. Last evaluated: 2022-11-22. Review status: criteria provided, single submitter. Criteria: Invitae Variant Classification Sherloc (09022015). Collection method: clinical testing. Allele origin: germline.
Comment: Advanced modeling of protein sequence and biophysical properties (such as structural, functional, and spatial information, amino acid conservation, physicochemical variation, residue mobility, and thermodynamic stability) performed at Invitae indicates that this missense variant is not expected to disrupt CARS2 protein function. In summary, the available evidence is currently insufficient to determine the role of this variant in disease. Therefore, it has been classified as a Variant of Uncertain Significance. ClinVar contains an entry for this variant (Variation ID: 1010611). This variant has not been reported in the literature in individuals affected with CARS2-related conditions. This variant is present in population databases (no rsID available, gnomAD 0.008%). This sequence change replaces glutamic acid, which is acidic and polar, with glutamine, which is neutral and polar, at codon 524 of the CARS2 protein (p.Glu524Gln).